The following is an entry in ClinVar:

NM_181078.3(IL21R):c.1073C>T (p.Ser358Leu)

Genes: IL21R (interleukin 21 receptor; plus strand), IL21R-AS1 (IL21R antisense RNA 1; minus strand). Cytogenetic location: 16p12.1.
Variant type: single nucleotide variant.
Coding change: c.1073C>T on transcript NM_181078.3 (MANE Select); coding-DNA position 1073, C replaced by T.
Protein change: p.Ser358Leu; replaces serine 358 with leucine.
Molecular consequence: missense variant. On other transcripts: non-coding transcript variant (1).
Genome position (GRCh38, 1-based): chr16:27,448,739, C>T. VCF-style: chr16-27448739-C-T. GRCh37 (hg19) VCF-style: chr16-27460060-C-T.
Other names: c.1073C>T, p.Ser358Leu (NM_021798.4); c.1139C>T, p.Ser380Leu (NM_181079.5); c.1139C>T (NM_181079.4); short protein forms S358L, S380L.
Identifiers: ClinVar variation 1425251 (VCV001425251.7), dbSNP rs748354630, ClinGen allele CA279702047.

ClinVar aggregate classification (germline): Conflicting classifications of pathogenicity. Review status: criteria provided, conflicting classifications (1 of 4 stars). 2 submissions from 2 submitters: Uncertain significance (1); Likely benign (1). Last evaluated 2024-12-09.

Conditions:
Cryptosporidiosis-chronic cholangitis-liver disease syndrome. Also called: Immunodeficiency type 56; IL21R immunodeficiency. Identifiers: Orphanet 357329, MedGen C3554687, MONDO:0014082, OMIM 615207.
Inborn genetic diseases. Identifiers: MedGen C0950123, MeSH D030342.

Allele frequency attached by ClinVar (database versions not stated): gnomAD 0.00003; TOPMed 0.00004.
gnomAD v4.1: 21 of 1,613,348 alleles (0.0013%); highest among the groups gnomAD compares: African/African-American, 0.0053%; no homozygotes.

Submissions (2):

Ambry Genetics
Classification: Likely benign for Inborn genetic diseases. Last evaluated: 2024-12-09. Review status: criteria provided, single submitter. Criteria: Ambry Variant Classification Scheme 2023. Collection method: clinical testing. Allele origin: germline.

Labcorp Genetics (formerly Invitae), Labcorp
Classification: Uncertain significance for Cryptosporidiosis-chronic cholangitis-liver disease syndrome. Last evaluated: 2022-10-24. Review status: criteria provided, single submitter. Criteria: Invitae Variant Classification Sherloc (09022015). Collection method: clinical testing. Allele origin: germline.
Comment: This sequence change replaces serine, which is neutral and polar, with leucine, which is neutral and non-polar, at codon 358 of the IL21R protein (p.Ser358Leu). In summary, the available evidence is currently insufficient to determine the role of this variant in disease. Therefore, it has been classified as a Variant of Uncertain Significance. Advanced modeling of protein sequence and biophysical properties (such as structural, functional, and spatial information, amino acid conservation, physicochemical variation, residue mobility, and thermodynamic stability) performed at Invitae indicates that this missense variant is not expected to disrupt IL21R protein function. ClinVar contains an entry for this variant (Variation ID: 1425251). This variant has not been reported in the literature in individuals affected with IL21R-related conditions. The frequency data for this variant in the population databases is considered unreliable, as metrics indicate poor data quality at this position in the gnomAD database.